The following is an entry in ClinVar:

ClinVar aggregate classification (germline): Conflicting classifications of pathogenicity. Review status: criteria provided, conflicting classifications (1 of 4 stars). 8 submissions from 8 submitters: Uncertain significance (1); Likely benign (7). Last evaluated 2025-12-04.

Conditions:
Inborn genetic diseases. Identifiers: MedGen C0950123, MeSH D030342.
Developmental and epileptic encephalopathy 94 (DEE94). Also called: Epileptic encephalopathy, childhood-onset; CHD2-Related Neurodevelopmental Disorders. Identifiers: Orphanet 1942, Orphanet 2382, MedGen C3809278, MONDO:0014150, OMIM 615369.

Allele frequency attached by ClinVar (database versions not stated): ESP Exome Variant Server 0.00008; ExAC 0.00013; gnomAD 0.00016 and 0.00019; gnomAD exomes 0.00017 and 0.00038; TOPMed 0.00019; 1000 Genomes Project 30x 0.00047; 1000 Genomes Project 0.00060.
gnomAD v4.1: 569 of 1,614,118 alleles (0.035%); highest among the groups gnomAD compares: Non-Finnish European, 0.046%; no homozygotes.

Submissions (8):

Labcorp Genetics (formerly Invitae), Labcorp
Classification: Likely benign for Developmental and epileptic encephalopathy 94. Last evaluated: 2025-12-04. Review status: criteria provided, single submitter. Criteria: Invitae Variant Classification Sherloc (09022015). Collection method: clinical testing. Allele origin: germline.

Athena Diagnostics
Classification: Likely benign. Last evaluated: 2025-09-30. Review status: criteria provided, single submitter. Criteria: Athena Diagnostics Criteria. Collection method: clinical testing. Allele origin: unknown.
Comment: The frequency of this variant in the general population is higher than would generally be expected for pathogenic variants in this gene. Computational tools predict this amino acid change may be benign.

Blueprint Genetics
Classification: Likely benign. Last evaluated: 2024-11-06. Review status: criteria provided, single submitter. Criteria: ACMG Guidelines, 2015. Collection method: clinical testing. Allele origin: germline.

CeGaT Center for Human Genetics Tuebingen
Classification: Likely benign. Last evaluated: 2023-12-01. Review status: criteria provided, single submitter. Criteria: CeGaT Center For Human Genetics Tuebingen Variant Classification Criteria Version 2. Collection method: clinical testing. Allele origin: germline. Affected: yes. Observed: 3 variant alleles.
Comment: CHD2: BS2

GeneDx
Classification: Likely benign. Last evaluated: 2021-04-20. Review status: criteria provided, single submitter. Criteria: GeneDx Variant Classification Process June 2021. Collection method: clinical testing. Allele origin: germline. Affected: yes.

Ambry Genetics
Classification: Likely benign for Inborn genetic diseases. Last evaluated: 2019-02-04. Review status: criteria provided, single submitter. Criteria: Ambry Variant Classification Scheme 2023. Collection method: clinical testing. Allele origin: germline.

Genetic Services Laboratory, University of Chicago
Classification: Uncertain significance. Last evaluated: 2015-05-26. Review status: criteria provided, single submitter. Criteria: ACMG Guidelines, 2015. Collection method: clinical testing. Allele origin: germline.

PreventionGenetics, part of Exact Sciences
Classification: Likely benign. Review status: criteria provided, single submitter. Criteria: ACMG Guidelines, 2015. Collection method: clinical testing. Allele origin: germline.

Literature cited by the submitters: PubMed 31440721 (cited by Athena Diagnostics).

NM_001271.4(CHD2):c.239C>T (p.Pro80Leu)

Gene: CHD2 (chromodomain helicase DNA binding protein 2; plus strand). Cytogenetic location: 15q26.1.
Variant type: single nucleotide variant.
Coding change: c.239C>T on transcript NM_001271.4 (MANE Select); coding-DNA position 239, C replaced by T.
Protein change: p.Pro80Leu; replaces proline 80 with leucine.
Molecular consequence: missense variant.
Genome position (GRCh38, 1-based): chr15:92,924,497, C>T. VCF-style: chr15-92924497-C-T. GRCh37 (hg19) VCF-style: chr15-93467727-C-T.
Other names: c.239C>T, p.Pro80Leu (NM_001042572.3); short protein forms P80L.
Identifiers: ClinVar variation 210710 (VCV000210710.57), dbSNP rs186163798, ClinGen allele CA209563.